The following is an entry in ClinVar:

NM_000163.5(GHR):c.1449_1466dup (p.Ala488_Gln489insHisIleAspPheTyrAla)

Gene: GHR (growth hormone receptor; plus strand). Cytogenetic location: 5p12.
Variant type: Duplication.
Coding change: c.1449_1466dup on transcript NM_000163.5 (MANE Select); coding-DNA positions 1449 to 1466, 18 bases duplicated (CATCGACTTTTATGCCCA).
Protein change: p.Ala488_Gln489insHisIleAspPheTyrAla.
Molecular consequence: inframe insertion. On other transcripts: inframe indel (1), 3 prime UTR variant (1).
Genome position (GRCh38, 1-based): chr5:42,718,956-42,718,973, CATCGACTTTTATGCCCA duplicated; duplicating any 18 consecutive bases within chr5:42,718,955-42,718,973 gives the same sequence; the c. name uses the placement nearest the transcript's 3' end. VCF-style (leftmost placement, unchanged base first): chr5-42718954-A-AACATCGACTTTTATGCCC. GRCh37 (hg19) VCF-style: chr5-42719056-A-AACATCGACTTTTATGCCC.
Other names: c.1470_1487dup, p.Ala495_Gln496insHisIleAspPheTyrAla (NM_001242399.2); c.1449_1466dup, p.Ala488_Gln489insHisIleAspPheTyrAla (NM_001242400.2, NM_001242401.4, NM_001242402.2 and 4 more transcripts); c.1383_1400dup, p.Ala466_Gln467insHisIleAspPheTyrAla (NM_001242460.2); c.*491_*508dup (NM_001242462.1).
Identifiers: ClinVar variation 2861883 (VCV002861883.3), dbSNP rs2530780788, ClinGen allele CA2739274696.

ClinVar aggregate classification (germline): Uncertain significance (1 of 4 stars; one submission).

Submission:

Labcorp Genetics (formerly Invitae), Labcorp
Classification: Uncertain significance. Last evaluated: 2023-05-03. Review status: criteria provided, single submitter. Criteria: Invitae Variant Classification Sherloc (09022015). Collection method: clinical testing. Allele origin: germline.
Comment: In summary, the available evidence is currently insufficient to determine the role of this variant in disease. Therefore, it has been classified as a Variant of Uncertain Significance. This variant has not been reported in the literature in individuals affected with GHR-related conditions. This variant is not present in population databases (gnomAD no frequency). This variant, c.1449_1466dup, results in the insertion of 6 amino acid(s) of the GHR protein (p.Ala488_Gln489insHisIleAspPheTyrAla), but otherwise preserves the integrity of the reading frame.